The following is an entry in ClinVar:

ClinVar aggregate classification (germline): Uncertain significance (1 of 4 stars; one submission).

Submission:

Labcorp Genetics (formerly Invitae), Labcorp
Classification: Uncertain significance. Last evaluated: 2024-10-23. Review status: criteria provided, single submitter. Criteria: Invitae Variant Classification Sherloc (09022015). Collection method: clinical testing. Allele origin: germline.
Comment: This sequence change creates a premature translational stop signal (p.Gly344Glufs*25) in the ZNF408 gene. While this is not anticipated to result in nonsense mediated decay, it is expected to disrupt the last 377 amino acid(s) of the ZNF408 protein. This variant is not present in population databases (gnomAD no frequency). This variant has not been reported in the literature in individuals affected with ZNF408-related conditions. ClinVar contains an entry for this variant (Variation ID: 2127021). Experimental studies and prediction algorithms are not available or were not evaluated, and the functional significance of this variant is currently unknown. In summary, the available evidence is currently insufficient to determine the role of this variant in disease. Therefore, it has been classified as a Variant of Uncertain Significance.

NM_024741.3(ZNF408):c.1029del (p.Gly344fs)

Gene: ZNF408 (zinc finger protein 408; plus strand). Cytogenetic location: 11p11.2.
Variant type: Deletion.
Coding change: c.1029del on transcript NM_024741.3 (MANE Select); coding-DNA position 1029, one base deleted (A; older notation c.1029delA).
Protein change: p.Gly344fs; shifts the reading frame from glycine 344.
Molecular consequence: frameshift variant.
Genome position (GRCh38, 1-based): chr11:46,704,729, A deleted. VCF-style (leftmost placement, unchanged base first): chr11-46704728-CA-C. GRCh37 (hg19) VCF-style: chr11-46726278-CA-C.
Other names: c.1005del, p.Gly336fs (NM_001184751.2); short protein forms G336fs, G344fs.
Identifiers: ClinVar variation 2127021 (VCV002127021.4), dbSNP rs2502793931, ClinGen allele CA2580084140.
Genomic context (GRCh38, chr11:46,704,728, plus strand): 5'-CAGAGCCTGGAGCCCAGCAGTCTGGCTTCCCTACACTCTCGCGGAGCCCTCCTGGCCCAG[CA>C]GGAAGCTCCCCAAAGCAGGGGCGACGGTACCGGTGTGGAGAGTGTGGCAAGGCATTCCTA-3'